The following is an entry in ClinVar:

NM_018718.3(CEP41):c.536G>A (p.Arg179His)

Gene: CEP41 (centrosomal protein 41; minus strand). Cytogenetic location: 7q32.2.
Variant type: single nucleotide variant.
Coding change: c.536G>A on transcript NM_018718.3 (MANE Select); coding-DNA position 536, G replaced by A.
Protein change: p.Arg179His; replaces arginine 179 with histidine.
Molecular consequence: missense variant. On other transcripts: non-coding transcript variant (1).
Genome position (GRCh38, 1-based): chr7:130,402,686, C>T on the plus strand (G>A on the coding strand, the complement: CEP41 is on the minus strand). VCF-style: chr7-130402686-C-T. GRCh37 (hg19) VCF-style: chr7-130042527-C-T.
Other names: c.536G>A, p.Arg179His (NM_001257158.2); c.488G>A, p.Arg163His (NM_001257159.2); short protein forms R179H, R163H.
Identifiers: ClinVar variation 30841 (VCV000030841.7), dbSNP rs140259402, ClinGen allele CA129494.

ClinVar aggregate classification (germline): Uncertain significance. Review status: criteria provided, single submitter (1 of 4 stars). 2 submissions from 2 submitters: Uncertain significance (1). 1 of the submissions does not count toward it. Last evaluated 2022-03-23.

Conditions:
JOUBERT SYNDROME 12/15, DIGENIC. Identifiers: MedGen C3280899, OMIM 614464.
Joubert syndrome 15 (JBTS15). Identifiers: Orphanet 475, MedGen C3280897, MONDO:0013763, OMIM 614464.

Allele frequency attached by ClinVar (database versions not stated): gnomAD exomes 0.00001 and 0.00002; ExAC 0.00002; TOPMed 0.00002; gnomAD 0.00003; ESP Exome Variant Server 0.00008.
gnomAD v4.1: 20 of 1,613,986 alleles (0.0012%); highest among the groups gnomAD compares: African/African-American, 0.004%; no homozygotes.

Submissions (2):

Labcorp Genetics (formerly Invitae), Labcorp
Classification: Uncertain significance for Joubert syndrome 15. Last evaluated: 2022-03-23. Review status: criteria provided, single submitter. Criteria: Invitae Variant Classification Sherloc (09022015). Collection method: clinical testing. Allele origin: germline.
Comment: In summary, the available evidence is currently insufficient to determine the role of this variant in disease. Therefore, it has been classified as a Variant of Uncertain Significance. Algorithms developed to predict the effect of missense changes on protein structure and function (SIFT, PolyPhen-2, Align-GVGD) all suggest that this variant is likely to be disruptive. ClinVar contains an entry for this variant (Variation ID: 30841). This missense change has been observed in individual(s) with clinical features of Joubert syndrome (PMID: 22246503). This variant is present in population databases (rs140259402, gnomAD 0.003%). This sequence change replaces arginine, which is basic and polar, with histidine, which is basic and polar, at codon 179 of the CEP41 protein (p.Arg179His).

OMIM
Classification: Pathogenic for JOUBERT SYNDROME 12/15, DIGENIC. Last evaluated: 2012-01-15. Review status: no assertion criteria provided. Collection method: literature only. Allele origin: germline. Not counted in ClinVar's aggregate classification.

Literature cited by the submitters: PubMed 22246503 (cited by Labcorp Genetics (formerly Invitae), Labcorp and OMIM).